The following is an entry in ClinVar:

ClinVar aggregate classification (germline): Likely pathogenic (1 of 4 stars; one submission).

Conditions:
Neuronal ceroid lipofuscinosis. Also called: Neuronal Ceroid Lipofuscinoses. Identifiers: Orphanet 216, Orphanet 79263, MedGen C0027877, MONDO:0016295. Disease mechanism: loss of function.

Allele frequency attached by ClinVar (database versions not stated): gnomAD exomes below 0.00001; ExAC 0.00001.

Submission:

Women's Health and Genetics/Laboratory Corporation of America, LabCorp
Classification: Likely pathogenic for Neuronal ceroid lipofuscinosis. Last evaluated: 2022-08-31. Review status: criteria provided, single submitter. Criteria: LabCorp Variant Classification Summary - May 2015. Collection method: clinical testing. Allele origin: germline.
Comment: Variant summary: KCTD7 c.604delT (p.Tyr202MetfsX71) results in a premature termination codon, predicted to cause a truncation of the encoded protein or absence of the protein due to nonsense mediated decay, which are commonly known mechanisms for disease. Truncations (p.Phe232fs, p.Leu244fs) downstream of this position have been classified as pathogenic by our laboratory or ClinVar database. The variant allele was found at a frequency of 4e-06 in 251422 control chromosomes (gnomAD). To our knowledge, no occurrence of c.604delT in individuals affected with Neuronal Ceroid-Lipofuscinosis (Batten Disease) and no experimental evidence demonstrating its impact on protein function have been reported. No clinical diagnostic laboratories have submitted clinical-significance assessments for this variant to ClinVar after 2014. Based on the evidence outlined above, the variant was classified as likely pathogenic.

NM_153033.5(KCTD7):c.604del (p.Tyr202fs)

Gene: KCTD7 (potassium channel tetramerization domain containing 7; plus strand). Cytogenetic location: 7q11.21.
Variant type: Deletion.
Coding change: c.604del on transcript NM_153033.5 (MANE Select); coding-DNA position 604, one base deleted (T; older notation c.604delT).
Protein change: p.Tyr202fs; shifts the reading frame from tyrosine 202.
Molecular consequence: frameshift variant.
Genome position (GRCh38, 1-based): chr7:66,638,966, T deleted. VCF-style (leftmost placement, unchanged base first): chr7-66638965-CT-C. GRCh37 (hg19) VCF-style: chr7-66103952-CT-C.
Other names: c.604del, p.Tyr202fs (NM_001167961.2); short protein forms Y202fs.
Identifiers: ClinVar variation 1705254 (VCV001705254.1), dbSNP rs745960603, ClinGen allele CA4278300.